The following is an entry in ClinVar:

ClinVar aggregate classification (germline): Conflicting classifications of pathogenicity. Review status: criteria provided, conflicting classifications (1 of 4 stars). 4 submissions from 3 submitters: Uncertain significance (1); Benign (1); Likely benign (2). Last evaluated 2024-07-18.

Conditions:
Autosomal recessive nonsyndromic hearing loss 37. Identifiers: Orphanet 90636, MedGen C1843028, MONDO:0011912, OMIM 607821.
Autosomal dominant nonsyndromic hearing loss 22. Also called: Autosomal dominant nonsyndromic deafness 22; DFNA 22. Identifiers: Orphanet 228012, MedGen C2931767, MONDO:0011660, OMIM 606346.

Allele frequency attached by ClinVar (database versions not stated): gnomAD 0.00005 and 0.00007; gnomAD exomes 0.00008 and 0.00022; 1000 Genomes Project 30x 0.00016; ExAC 0.00017; TOPMed 0.00019; 1000 Genomes Project 0.00020.

Submissions (4):

Labcorp Genetics (formerly Invitae), Labcorp
Classification: Benign. Last evaluated: 2024-07-18. Review status: criteria provided, single submitter. Criteria: Invitae Variant Classification Sherloc (09022015). Collection method: clinical testing. Allele origin: germline.

GeneDx
Classification: Likely benign. Last evaluated: 2018-10-12. Review status: criteria provided, single submitter. Criteria: GeneDx Variant Classification Process June 2021. Collection method: clinical testing. Allele origin: germline. Affected: yes.

Illumina Laboratory Services, Illumina
Classification: Uncertain significance for Autosomal recessive nonsyndromic hearing loss 37. Last evaluated: 2018-01-13. Review status: criteria provided, single submitter. Criteria: ICSL Variant Classification Criteria 13 December 2019. Collection method: clinical testing. Allele origin: germline.

Illumina Laboratory Services, Illumina
Classification: Likely benign for Autosomal dominant nonsyndromic hearing loss 22. Last evaluated: 2018-01-13. Review status: criteria provided, single submitter. Criteria: ICSL Variant Classification Criteria 13 December 2019. Collection method: clinical testing. Allele origin: germline.
Comment: This variant was observed in the ICSL laboratory as part of a predisposition screen in an ostensibly healthy population. It had not been previously curated by ICSL or reported in the Human Gene Mutation Database (HGMD: prior to June 1st, 2018), and was therefore a candidate for classification through an automated scoring system. Utilizing variant allele frequency, disease prevalence and penetrance estimates, and inheritance mode, an automated score was calculated to assess if this variant is too frequent to cause the disease. Based on the score and internal cut-off values, a variant classified as likely benign is not then subjected to further curation. The score for this variant resulted in a classification of likely benign for this disease.

NM_004999.4(MYO6):c.553+10A>G

Gene: MYO6 (myosin VI; plus strand). Cytogenetic location: 6q14.1.
Variant type: single nucleotide variant.
Coding change: c.553+10A>G on transcript NM_004999.4 (MANE Select); 10 bases into the intron after coding-DNA position 553, A replaced by G.
Molecular consequence: intron variant.
Genome position (GRCh38, 1-based): chr6:75,835,966, A>G. VCF-style: chr6-75835966-A-G. GRCh37 (hg19) VCF-style: chr6-76545683-A-G.
Other names: c.553+10A>G (NM_001368865.1, NM_001368866.1, NM_001368137.1 and 5 more transcripts).
Identifiers: ClinVar variation 909578 (VCV000909578.14), dbSNP rs188959117, ClinGen allele CA3896877.